The following is an entry in ClinVar:

NM_001633.4(AMBP):c.13G>A (p.Gly5Arg)

Gene: AMBP (alpha-1-microglobulin/bikunin precursor; minus strand). Cytogenetic location: 9q32.
Variant type: single nucleotide variant.
Coding change: c.13G>A on transcript NM_001633.4 (MANE Select); coding-DNA position 13, G replaced by A.
Protein change: p.Gly5Arg; replaces glycine 5 with arginine.
Molecular consequence: missense variant.
Genome position (GRCh38, 1-based): chr9:114,078,197, C>T on the plus strand (G>A on the coding strand, the complement: AMBP is on the minus strand). VCF-style: chr9-114078197-C-T. GRCh37 (hg19) VCF-style: chr9-116840477-C-T.
Other names: c.13G>A (NM_001633.3); short protein forms G5R.
Identifiers: ClinVar variation 2659438 (VCV002659438.25), dbSNP rs113268476, ClinGen allele CA5200307.

ClinVar aggregate classification (germline): Conflicting classifications of pathogenicity. Review status: criteria provided, conflicting classifications (1 of 4 stars). 2 submissions from 2 submitters: Uncertain significance (1); Likely benign (1). Last evaluated 2025-08-24.

Allele frequency attached by ClinVar (database versions not stated): 1000 Genomes Project 0.00120; ESP Exome Variant Server 0.00215; gnomAD 0.00218; 1000 Genomes Project 30x 0.00219.
gnomAD v4.1: 693 of 1,612,546 alleles (0.043%); highest among the groups gnomAD compares: African/African-American, 0.8%; 3 homozygotes.

Submissions (2):

Ambry Genetics
Classification: Uncertain significance. Last evaluated: 2025-08-24. Review status: criteria provided, single submitter. Criteria: Ambry Variant Classification Scheme 2023. Collection method: clinical testing. Allele origin: germline.

CeGaT Center for Human Genetics Tuebingen
Classification: Likely benign. Last evaluated: 2022-04-01. Review status: criteria provided, single submitter. Criteria: CeGaT Center For Human Genetics Tuebingen Variant Classification Criteria Version 2. Collection method: clinical testing. Allele origin: germline. Affected: yes. Observed: 1 variant allele.
Comment: AMBP: BP4